The following is an entry in ClinVar:

NC_000004.11:g.(?_159601609)_(159620292_?)dup

Gene: ETFDH (electron transfer flavoprotein dehydrogenase; plus strand). Cytogenetic location: 4q32.1.
Variant type: Duplication.
Identifiers: ClinVar variation 647467 (VCV000647467.3).

ClinVar aggregate classification (germline): Likely pathogenic (1 of 4 stars; one submission).

Conditions:
Multiple acyl-CoA dehydrogenase deficiency (MADD). Also called: Glutaric aciduria, type 2; Glutaric Acidemia type 2; ETHYLMALONIC-ADIPICACIDURIA; GA II; Glutaric acidemia type II; GA 2. Identifiers: Orphanet 26791, MedGen C0268596, MONDO:0009282, OMIM 231680.

Submission:

Labcorp Genetics (formerly Invitae), Labcorp
Classification: Likely pathogenic for Multiple acyl-CoA dehydrogenase deficiency. Last evaluated: 2022-10-23. Review status: criteria provided, single submitter. Criteria: Invitae Variant Classification Sherloc (09022015). Collection method: clinical testing. Allele origin: germline.
Comment: This variant results in a copy number gain of the genomic region encompassing exon(s) 2-9 of the ETFDH gene. While the exact position of this variant cannot be determined from the data, sub-genic copy number gains are generally in tandem (PMID: 25640679). This variant is predicted to be out-of-frame, and may result in an absent or disrupted protein product. Loss-of-function variants in ETFDH are known to be pathogenic (PMID: 16510302, 23785301). This variant has not been reported in the literature in individuals affected with ETFDH-related conditions. In summary, the currently available evidence indicates that the variant is pathogenic, but additional data are needed to prove that conclusively. Therefore, this variant has been classified as Likely Pathogenic.

Literature cited by the submitters: PubMed 25640679; PubMed 16510302; PubMed 23785301.